The following is an entry in ClinVar:

ClinVar aggregate classification (germline): Benign/Likely benign. Review status: criteria provided, multiple submitters, no conflicts (2 of 4 stars). 3 submissions from 3 submitters: Benign (1); Likely benign (2). Last evaluated 2025-08-20.

Conditions:
Familial cancer of breast. Also called: Hereditary breast cancer; BREAST CANCER, FAMILIAL; hereditary breast carcinoma. Identifiers: Orphanet 227535, MedGen C0346153, MONDO:0016419, OMIM 114480. Disease mechanism: loss of function.
Fanconi anemia complementation group J. Also called: BRIP1-Related Fanconi Anemia. Identifiers: Orphanet 84, MedGen C1836860, MONDO:0012187, OMIM 609054.
Hereditary cancer-predisposing syndrome. Also called: Hereditary Cancer Syndrome; Tumor predisposition; Neoplastic Syndromes, Hereditary; Hereditary neoplastic syndrome. Identifiers: Orphanet 140162, MedGen C0027672, MeSH D009386, MONDO:0015356.

Submissions (3):

Ambry Genetics
Classification: Likely benign for Hereditary cancer-predisposing syndrome. Last evaluated: 2025-08-20. Review status: criteria provided, single submitter. Criteria: Ambry Variant Classification Scheme 2023. Collection method: clinical testing. Allele origin: germline.

Labcorp Genetics (formerly Invitae), Labcorp
Classification: Likely benign for Familial cancer of breast; Fanconi anemia complementation group J. Last evaluated: 2025-07-23. Review status: criteria provided, single submitter. Criteria: Invitae Variant Classification Sherloc (09022015). Collection method: clinical testing. Allele origin: germline.

Myriad Genetics, Inc.
Classification: Benign for Familial cancer of breast. Last evaluated: 2024-09-03. Review status: criteria provided, single submitter. Criteria: Myriad Autosomal Dominant, Autosomal Recessive and X-Linked Classification Criteria (2023). Collection method: clinical testing. Allele origin: unknown.
Comment: This variant is considered benign. This variant is a silent/synonymous amino acid change and it is not expected to impact splicing.

NM_032043.3(BRIP1):c.2040G>A (p.Leu680=)

Gene: BRIP1 (BRCA1 interacting DNA helicase 1; minus strand). Cytogenetic location: 17q23.2.
Variant type: single nucleotide variant.
Coding change: c.2040G>A on transcript NM_032043.3 (MANE Select); coding-DNA position 2040, G replaced by A.
Protein change: p.Leu680=; no amino-acid change (leucine 680 retained).
Molecular consequence: synonymous variant.
Genome position (GRCh38, 1-based): chr17:61,776,458, C>T on the plus strand (G>A on the coding strand, the complement: BRIP1 is on the minus strand). VCF-style: chr17-61776458-C-T. GRCh37 (hg19) VCF-style: chr17-59853819-C-T.
Other names: c.2040G>A (NM_032043.2).
Identifiers: ClinVar variation 1589477 (VCV001589477.11), dbSNP rs2145028811, ClinGen allele CA501150153.